The following is an entry in ClinVar:

NM_181882.3(PRX):c.4151C>T (p.Ala1384Val)

Gene: PRX (periaxin; minus strand). Cytogenetic location: 19q13.2.
Variant type: single nucleotide variant.
Coding change: c.4151C>T on transcript NM_181882.3 (MANE Select); coding-DNA position 4151, C replaced by T.
Protein change: p.Ala1384Val; replaces alanine 1384 with valine.
Molecular consequence: missense variant. On other transcripts: 3 prime UTR variant (1).
Genome position (GRCh38, 1-based): chr19:40,394,201, G>A on the plus strand (C>T on the coding strand, the complement: PRX is on the minus strand). VCF-style: chr19-40394201-G-A. GRCh37 (hg19) VCF-style: chr19-40900108-G-A.
Other names: c.*4356C>T (NM_020956.2); short protein forms A1384V.
Identifiers: ClinVar variation 1061285 (VCV001061285.12), dbSNP rs201618230, ClinGen allele CA9443680.

ClinVar aggregate classification (germline): Uncertain significance. Review status: criteria provided, multiple submitters, no conflicts (2 of 4 stars). 3 submissions from 3 submitters: Uncertain significance (3). Last evaluated 2024-12-16.

Conditions:
Inborn genetic diseases. Identifiers: MedGen C0950123, MeSH D030342.
Charcot-Marie-Tooth disease type 4. Also called: Charcot-Marie-Tooth, Type 4; Charcot-Marie-Tooth disease, type IV. Identifiers: Orphanet 64749, MedGen C4082197, MONDO:0018995.

Allele frequency attached by ClinVar (database versions not stated): gnomAD exomes 0.00008; ExAC 0.00011; gnomAD 0.00013; 1000 Genomes Project 30x 0.00016; TOPMed 0.00018; 1000 Genomes Project 0.00020.
gnomAD v4.1: 68 of 1,591,000 alleles (0.0043%); highest among the groups gnomAD compares: Admixed American, 0.031%; no homozygotes.

Submissions (3):

Labcorp Genetics (formerly Invitae), Labcorp
Classification: Uncertain significance for Charcot-Marie-Tooth disease type 4. Last evaluated: 2024-12-16. Review status: criteria provided, single submitter. Criteria: Invitae Variant Classification Sherloc (09022015). Collection method: clinical testing. Allele origin: germline.
Comment: This sequence change replaces alanine, which is neutral and non-polar, with valine, which is neutral and non-polar, at codon 1384 of the PRX protein (p.Ala1384Val). This variant is present in population databases (rs201618230, gnomAD 0.03%). This variant has not been reported in the literature in individuals affected with PRX-related conditions. ClinVar contains an entry for this variant (Variation ID: 1061285). Invitae Evidence Modeling of protein sequence and biophysical properties (such as structural, functional, and spatial information, amino acid conservation, physicochemical variation, residue mobility, and thermodynamic stability) indicates that this missense variant is not expected to disrupt PRX protein function with a negative predictive value of 80%. In summary, the available evidence is currently insufficient to determine the role of this variant in disease. Therefore, it has been classified as a Variant of Uncertain Significance.

Ambry Genetics
Classification: Uncertain significance for Inborn genetic diseases. Last evaluated: 2024-06-26. Review status: criteria provided, single submitter. Criteria: Ambry Variant Classification Scheme 2023. Collection method: clinical testing. Allele origin: germline.

GeneDx
Classification: Uncertain significance. Last evaluated: 2022-05-06. Review status: criteria provided, single submitter. Criteria: GeneDx Variant Classification Process June 2021. Collection method: clinical testing. Allele origin: germline. Affected: yes.
Comment: In silico analysis supports that this missense variant does not alter protein structure/function; Has not been previously published as pathogenic or benign to our knowledge